The following is an entry in ClinVar:

ClinVar aggregate classification (germline): Uncertain significance. Review status: criteria provided, multiple submitters, no conflicts (2 of 4 stars). 5 submissions from 5 submitters: Uncertain significance (2). 3 of the submissions do not count toward it. Last evaluated 2024-11-04.

Conditions:
Cardiovascular phenotype. Identifiers: MedGen CN230736.
Cardiomyopathy (CMYO). Also called: Cardiomyopathies. Identifiers: Orphanet 167848, MedGen C0878544, MONDO:0004994, HP:0001638. Inheritance: Various modes of inheritance.
Mandibuloacral dysplasia with type A lipodystrophy (MADA). Also called: CRANIOMANDIBULAR DERMATODYSOSTOSIS; LIPODYSTROPHY, TYPE A, ASSOCIATED WITH MANDIBULOACRAL DYSPLASIA. Identifiers: Orphanet 2457, Orphanet 90153, MedGen C5399785, MONDO:0009557, OMIM 248370.
Familial partial lipodystrophy, Dunnigan type. Also called: Partial lipodystrophy, Dunnigan; LIPODYSTROPHY, FAMILIAL, OF LIMBS AND LOWER TRUNK; LIPODYSTROPHY, REVERSE PARTIAL. Identifiers: Orphanet 2348, MedGen C1720860, MONDO:0007906, OMIM 151660.

Submissions (5):

Color Diagnostics, LLC DBA Color Health
Classification: Uncertain significance for Cardiomyopathy. Last evaluated: 2024-11-04. Review status: criteria provided, single submitter. Criteria: ACMG Guidelines, 2015. Collection method: clinical testing. Allele origin: germline.
Comment: This missense variant replaces alanine with valine at codon 529 of the LMNA protein. Computational prediction suggests that this variant may not impact protein structure and function. To our knowledge, functional studies have not been reported for this variant. This variant has been reported in homozygous state in several individuals affected with mandibuloacral dysplasia; in all cases, this variant was identified in all unaffected heterozygous carrier parents (PMID: 12784312, 15998779, 27100822). However, this variant has not been reported in individuals affected with cardiomyopathy in the literature. This variant has not been identified in the general population by the Genome Aggregation Database (gnomAD). Based on the available evidence, this variant is classified as a Variant of Uncertain Significance for autosomal dominant cardiomyopathy.

New York Genome Center
Classification: Uncertain significance for Familial partial lipodystrophy, Dunnigan type. Last evaluated: 2021-10-18. Review status: criteria provided, single submitter. Criteria: NYGC Assertion Criteria 2020. Collection method: clinical testing. Allele origin: germline. Observed: 1 heterozygote.
Comment: The heterozygous c.1586C>T (p.Ala529Val) variant identified in the LMNA gene substitutes a very well conserved Alanine for Valine at amino acid529/664 (exon 9/12). This variant is absent from gnomAD(v3.1.1) suggesting it is not a common benign variant in the populations represented in that database. In silico algorithms predict this variant to be Tolerated (SIFT; score: 1.0328) and Benign (REVEL; score: 0.492) to the function of the canonical transcript. This variant is reported in ClinVar as Pathogenic (VarID:14513) and has been reported at the homozygous state in 4 affected individual (3 families) in the literature with mandibuloacral dysplasia (MAD) [PMID: 15998779, 27100822]. Heterozygous carriers have been reported without phenotypic abnormalities of MAD but two of them had diabetes mellitus. Hyperglycemia in heterozygous carriers might be related to the heterozygous p.Ala529Val variant in the LMNA gene, but these data have to be confirmed. Given the lack of compelling evidence for its pathogenicity in metabaloic disorders, the c.1586C>T, p.Ala529Val variant identified in the LMNA gene is reported as a Variant of Uncertain Significance.

OMIM
Classification: Pathogenic for MANDIBULOACRAL DYSPLASIA WITH TYPE A LIPODYSTROPHY. Last evaluated: 2005-09-01. Review status: no assertion criteria provided. Collection method: literature only. Allele origin: germline. Not counted in ClinVar's aggregate classification.

Epithelial Biology;  Institute of Medical Biology, Singapore
No classification provided. Review status: no classification provided. Collection method: not provided. Allele origin: not provided. Not counted in ClinVar's aggregate classification.

Ambry Genetics
Classification: Uncertain significance for Cardiovascular phenotype. Last evaluated: 2021-12-21. Review status: flagged submission. Criteria: Ambry Variant Classification Scheme 2023. Collection method: clinical testing. Allele origin: germline. Not counted in ClinVar's aggregate classification.
Comment: The p.A529V pathogenic mutation (also known as c.1586C>T), located in coding exon 9 of the LMNA gene, results from a C to T substitution at nucleotide position 1586. The alanine at codon 529 is replaced by valine, an amino acid with similar properties. This variant has been reported in homozygous individuals with autosomal recessive mandibuloacral dysplasia (MAD); heterozygous carrier family members were reported to be unaffected with MAD or other laminopathy-related phenotypes (Cogulu O et al. Am J Med Genet A, 2003 Jun;119A:391-2; Garg A et al. J Clin Endocrinol Metab, 2005 Sep;90:5259-64; Ozer L et al. Clin Dysmorphol, 2016 Jul;25:91-7). This variant is considered to be rare based on population cohorts in the Genome Aggregation Database (gnomAD). This amino acid position is not well conserved in available vertebrate species. In addition, this alteration is predicted to be deleterious by in silico analysis. Based on the supporting evidence, this variant is expected to be causative of mandibuloacral dysplasia (MAD) when present along with a second pathogenic variant on the other allele; however, its clinical significance for autosomal dominant laminopathy-related phenotypes is unclear.
ClinVar note: Notes: Claim states uncertain significance for laminopathy-related phenotypes, but says that variant is causative for mandibuloacral dysplasia (MAD).
ClinVar note: Reason: Unnecessary conflicting claim for distinct condition when other classifications are more relevant

Literature cited by the submitters: PubMed 12784312 (cited by 3 submitters); PubMed 15998779 (cited by 3 submitters); PubMed 27100822 (cited by Color Diagnostics, LLC DBA Color Health and Ambry Genetics); PubMed 24375749 (cited by Ambry Genetics); PubMed 30137533 (cited by Ambry Genetics); PubMed 32475984 (cited by Ambry Genetics).

NM_170707.4(LMNA):c.1586C>T (p.Ala529Val)

Gene: LMNA (lamin A/C; plus strand). Cytogenetic location: 1q22.
Variant type: single nucleotide variant.
Coding change: c.1586C>T on transcript NM_170707.4 (MANE Select); coding-DNA position 1586, C replaced by T.
Protein change: p.Ala529Val; replaces alanine 529 with valine.
Molecular consequence: missense variant.
Genome position (GRCh38, 1-based): chr1:156,137,210, C>T. VCF-style: chr1-156137210-C-T. GRCh37 (hg19) VCF-style: chr1-156107001-C-T.
Other names: c.1250C>T, p.Ala417Val (NM_001257374.3); c.1343C>T, p.Ala448Val (NM_001282624.2); c.1586C>T, p.Ala529Val (NM_001282625.2, NM_001282626.2, NM_005572.4 and 1 more transcripts); short protein forms A529V, A417V, A448V.
Identifiers: ClinVar variation 14513 (VCV000014513.6), dbSNP rs60580541, ClinGen allele CA017534.